The following is an entry in ClinVar:

NM_020632.3(ATP6V0A4):c.2439C>G (p.Phe813Leu)

Gene: ATP6V0A4 (ATPase H+ transporting V0 subunit a4; minus strand). Cytogenetic location: 7q34.
Variant type: single nucleotide variant.
Coding change: c.2439C>G on transcript NM_020632.3 (MANE Select); coding-DNA position 2439, C replaced by G.
Protein change: p.Phe813Leu; replaces phenylalanine 813 with leucine.
Molecular consequence: missense variant.
Genome position (GRCh38, 1-based): chr7:138,706,708, G>C on the plus strand (C>G on the coding strand, the complement: ATP6V0A4 is on the minus strand). VCF-style: chr7-138706708-G-C. GRCh37 (hg19) VCF-style: chr7-138391453-G-C.
Other names: c.2439C>G, p.Phe813Leu (NM_130840.3, NM_130841.3); short protein forms F813L.
Identifiers: ClinVar variation 4690273 (VCV004690273.1).
Genomic context (GRCh38, chr7:138,706,708, plus strand): 5'-GATGTGTTTAAAGGAGAATGGAGAAAACTTGTAACCATCCCCGACATAGAACTTGTTCTG[G>C]AACTCAACCCTGTTGTTGAGGGGAGGCCGTGGGGTAAGAAATGGGAGATTGAAACACATC-3'
Protein context (NP_065683.2, residues 803-823): LHALRLHWVE[Phe813Leu]QNKFYVGDGY

ClinVar aggregate classification (germline): Likely pathogenic (1 of 4 stars; one submission).

Conditions:
Renal tubular acidosis, distal, 3, with or without sensorineural hearing loss (DRTA3). Identifiers: MedGen C5399980, MONDO:0011268, OMIM 602722.

Submission:

Laboratorio de Genética, Hospital Universitario Reina Sofía
Classification: Likely pathogenic for Renal tubular acidosis, distal, 3, with or without sensorineural hearing loss. Review status: criteria provided, single submitter. Criteria: ACMG Guidelines, 2015. Collection method: clinical testing. Allele origin: germline. Inheritance: Autosomal recessive inheritance. Affected: no and yes. Observed: 2 variant alleles, 1 homozygote.
Comment: This variant classifies as Likely Patogenic according to the ACMG classification. It meets the following criteria: PM3 (For recessive disorders, detected in trans with a pathogenic variant, or in a homozygous or compound heterozygous state in affected cases), PP3 (For a missense or a splicing region variant, computational prediction tools unanimously support a deleterious effect on the gene), PM2 (Extremely low frequency in gnomAD population databases), PM1 (Non-truncating non-synonymous variant is located in a mutational hot spot and/or critical and well-established functional domain).